The following is an entry in ClinVar:

NM_020937.4(FANCM):c.2163T>G (p.Ala721=)

Gene: FANCM (FA complementation group M; plus strand). Cytogenetic location: 14q21.2.
Variant type: single nucleotide variant.
Coding change: c.2163T>G on transcript NM_020937.4 (MANE Select); coding-DNA position 2163, T replaced by G.
Protein change: p.Ala721=; no amino-acid change (alanine 721 retained).
Molecular consequence: synonymous variant.
Genome position (GRCh38, 1-based): chr14:45,173,057, T>G. VCF-style: chr14-45173057-T-G. GRCh37 (hg19) VCF-style: chr14-45642260-T-G.
Other names: c.2085T>G, p.Ala695= (NM_001308133.2).
Identifiers: ClinVar variation 698842 (VCV000698842.8), dbSNP rs781479852, ClinGen allele CA486140227.
Genomic context (GRCh38, chr14:45,173,057, plus strand): 5'-TTAGTTTGTGAAATCTCAGTATGTTTTCATCATTTTTATTACTTTTTAAATAATTAAGGC[T>G]CAAGAATCAACCACTGGAATTCATCAACTCTCTCTCTCTGAATGGAGACTGTGGCAAGAT-3'
Protein context (NP_065988.1, residues 711-731): SSLQNEENKP[Ala721=]QESTTGIHQL

ClinVar aggregate classification (germline): Conflicting classifications of pathogenicity. Review status: criteria provided, conflicting classifications (1 of 4 stars). 3 submissions from 3 submitters: Uncertain significance (1); Likely benign (2). Last evaluated 2025-07-09.

Conditions:
Inborn genetic diseases. Identifiers: MedGen C0950123, MeSH D030342.
Fanconi anemia (FA). Also called: Fanconi's anemia. Identifiers: Orphanet 84, MedGen C0015625, MeSH D005199, MONDO:0019391.

Allele frequency attached by ClinVar (database versions not stated): gnomAD 0.00001.
gnomAD v4.1: 7 of 1,604,018 alleles (0.00044%); highest among the groups gnomAD compares: Non-Finnish European, 0.0006%; no homozygotes.

Submissions (3):

Labcorp Genetics (formerly Invitae), Labcorp
Classification: Likely benign for Fanconi anemia. Last evaluated: 2025-07-09. Review status: criteria provided, single submitter. Criteria: Invitae Variant Classification Sherloc (09022015). Collection method: clinical testing. Allele origin: germline.

Ambry Genetics
Classification: Likely benign for Inborn genetic diseases. Last evaluated: 2025-01-11. Review status: criteria provided, single submitter. Criteria: Ambry Variant Classification Scheme 2023. Collection method: clinical testing. Allele origin: germline.

GeneDx
Classification: Uncertain significance. Last evaluated: 2024-07-02. Review status: criteria provided, single submitter. Criteria: GeneDx Variant Classification Process June 2021. Collection method: clinical testing. Allele origin: germline. Affected: yes.
Comment: Not observed at significant frequency in large population cohorts (gnomAD); In silico analysis supports that this variant does not alter splicing; Has not been previously published as pathogenic or benign to our knowledge